The following is an entry in ClinVar:

NM_004698.4(PRPF3):c.857G>A (p.Arg286His)

Gene: PRPF3 (pre-mRNA processing factor 3; plus strand). Cytogenetic location: 1q21.2.
Variant type: single nucleotide variant.
Coding change: c.857G>A on transcript NM_004698.4 (MANE Select); coding-DNA position 857, G replaced by A.
Protein change: p.Arg286His; replaces arginine 286 with histidine.
Molecular consequence: missense variant. On other transcripts: non-coding transcript variant (4).
Genome position (GRCh38, 1-based): chr1:150,335,063, G>A. VCF-style: chr1-150335063-G-A. GRCh37 (hg19) VCF-style: chr1-150307534-G-A.
Other names: c.452G>A, p.Arg151His (NM_001350529.1); short protein forms R151H, R286H.
Identifiers: ClinVar variation 1355555 (VCV001355555.7), dbSNP rs782599446, ClinGen allele CA1075506.

ClinVar aggregate classification (germline): Uncertain significance (1 of 4 stars; one submission).

Allele frequency attached by ClinVar (database versions not stated): gnomAD exomes below 0.00001 and 0.00001; ExAC 0.00001; gnomAD 0.00002; TOPMed 0.00002.

Submission:

Labcorp Genetics (formerly Invitae), Labcorp
Classification: Uncertain significance. Last evaluated: 2025-08-21. Review status: criteria provided, single submitter. Criteria: Invitae Variant Classification Sherloc (09022015). Collection method: clinical testing. Allele origin: germline.
Comment: This sequence change replaces arginine, which is basic and polar, with histidine, which is basic and polar, at codon 286 of the PRPF3 protein (p.Arg286His). This variant is present in population databases (rs782599446, gnomAD 0.007%). This variant has not been reported in the literature in individuals affected with PRPF3-related conditions. ClinVar contains an entry for this variant (Variation ID: 1355555). Invitae Evidence Modeling of protein sequence and biophysical properties (such as structural, functional, and spatial information, amino acid conservation, physicochemical variation, residue mobility, and thermodynamic stability) has been performed for this missense variant. However, the output from this modeling did not meet the statistical confidence thresholds required to predict the impact of this variant on PRPF3 protein function. In summary, the available evidence is currently insufficient to determine the role of this variant in disease. Therefore, it has been classified as a Variant of Uncertain Significance.